The following is an entry in ClinVar:

ClinVar aggregate classification (germline): Uncertain significance (1 of 4 stars; one submission).

Conditions:
Progressive sclerosing poliodystrophy (MTDPS4A). Also called: Mitochondrial DNA Depletion Syndrome 4A; ALPERS PROGRESSIVE INFANTILE POLIODYSTROPHY; NEURONAL DEGENERATION OF CHILDHOOD WITH LIVER DISEASE, PROGRESSIVE; Mitochondrial DNA depletion syndrome 4A (Alpers type); Alpers Syndrome; ALPERS DIFFUSE DEGENERATION OF CEREBRAL GRAY MATTER WITH HEPATIC CIRRHOSIS. Identifiers: Orphanet 726, MedGen C0205710, MONDO:0008758, OMIM 203700.

Allele frequency attached by ClinVar (database versions not stated): gnomAD exomes below 0.00001.

Submission:

Labcorp Genetics (formerly Invitae), Labcorp
Classification: Uncertain significance for Progressive sclerosing poliodystrophy. Last evaluated: 2023-07-23. Review status: criteria provided, single submitter. Criteria: Invitae Variant Classification Sherloc (09022015). Collection method: clinical testing. Allele origin: germline.
Comment: In summary, the available evidence is currently insufficient to determine the role of this variant in disease. Therefore, it has been classified as a Variant of Uncertain Significance. Algorithms developed to predict the effect of missense changes on protein structure and function output the following: SIFT: "Not Available"; PolyPhen-2: "Benign"; Align-GVGD: "Not Available". The alanine amino acid residue is found in multiple mammalian species, which suggests that this missense change does not adversely affect protein function. This variant has not been reported in the literature in individuals affected with POLG-related conditions. This variant is not present in population databases (gnomAD no frequency). This sequence change replaces valine, which is neutral and non-polar, with alanine, which is neutral and non-polar, at codon 691 of the POLG protein (p.Val691Ala).

NM_002693.3(POLG):c.2072T>C (p.Val691Ala)

Gene: POLG (DNA polymerase gamma, catalytic subunit; minus strand). Cytogenetic location: 15q26.1.
Variant type: single nucleotide variant.
Coding change: c.2072T>C on transcript NM_002693.3 (MANE Select); coding-DNA position 2072, T replaced by C.
Protein change: p.Val691Ala; replaces valine 691 with alanine.
Molecular consequence: missense variant.
Genome position (GRCh38, 1-based): chr15:89,323,900, A>G on the plus strand (T>C on the coding strand, the complement: POLG is on the minus strand). VCF-style: chr15-89323900-A-G. GRCh37 (hg19) VCF-style: chr15-89867131-A-G.
Other names: c.2072T>C, p.Val691Ala (NM_001126131.2); short protein forms V691A.
Identifiers: ClinVar variation 3004819 (VCV003004819.3), dbSNP rs1198425792, ClinGen allele CA393757338.